The following is an entry in ClinVar:

NM_015602.4(TOR1AIP1):c.791C>T (p.Ser264Leu)

Gene: TOR1AIP1 (torsin 1A interacting protein 1; plus strand). Cytogenetic location: 1q25.2.
Variant type: single nucleotide variant.
Coding change: c.791C>T on transcript NM_015602.4 (MANE Select); coding-DNA position 791, C replaced by T.
Protein change: p.Ser264Leu; replaces serine 264 with leucine.
Molecular consequence: missense variant.
Genome position (GRCh38, 1-based): chr1:179,904,017, C>T. VCF-style: chr1-179904017-C-T. GRCh37 (hg19) VCF-style: chr1-179873152-C-T.
Other names: c.794C>T, p.Ser265Leu (NM_001267578.2); short protein forms S264L, S265L.
Identifiers: ClinVar variation 1022866 (VCV001022866.3), dbSNP rs1648545614, ClinGen allele CA343566736.

ClinVar aggregate classification (germline): Uncertain significance (1 of 4 stars; one submission).

Conditions:
Autosomal recessive limb-girdle muscular dystrophy type 2Y (MRRSDC). Also called: Muscular dystrophy, autosomal recessive, with rigid spine and distal joint contractures; Muscular dystrophy, limb-girdle, type 2y. Identifiers: Orphanet 424261, MedGen C4511482, MONDO:0014900, OMIM 617072.

Allele frequency attached by ClinVar (database versions not stated): gnomAD exomes 0.00001.
gnomAD v4.1: 7 of 1,606,584 alleles (0.00044%); highest among the groups gnomAD compares: Non-Finnish European, 0.0006%; no homozygotes.

Submission:

Labcorp Genetics (formerly Invitae), Labcorp
Classification: Uncertain significance for Autosomal recessive limb-girdle muscular dystrophy type 2Y. Last evaluated: 2020-10-12. Review status: criteria provided, single submitter. Criteria: Invitae Variant Classification Sherloc (09022015). Collection method: clinical testing. Allele origin: germline.
Comment: In summary, the available evidence is currently insufficient to determine the role of this variant in disease. Therefore, it has been classified as a Variant of Uncertain Significance. Algorithms developed to predict the effect of missense changes on protein structure and function are either unavailable or do not agree on the potential impact of this missense change (SIFT: "Deleterious"; PolyPhen-2: "Possibly Damaging"; Align-GVGD: "Class C0"). This variant has not been reported in the literature in individuals with TOR1AIP1-related conditions. This variant is not present in population databases (ExAC no frequency). This sequence change replaces serine with leucine at codon 265 of the TOR1AIP1 protein (p.Ser265Leu). The serine residue is moderately conserved and there is a large physicochemical difference between serine and leucine.